The following is an entry in ClinVar:

NM_006231.4(POLE):c.1694C>G (p.Ala565Gly)

Gene: POLE (DNA polymerase epsilon, catalytic subunit; minus strand). Cytogenetic location: 12q24.33.
Variant type: single nucleotide variant.
Coding change: c.1694C>G on transcript NM_006231.4 (MANE Select); coding-DNA position 1694, C replaced by G.
Protein change: p.Ala565Gly; replaces alanine 565 with glycine.
Molecular consequence: missense variant.
Genome position (GRCh38, 1-based): chr12:132,672,315, G>C on the plus strand (C>G on the coding strand, the complement: POLE is on the minus strand). VCF-style: chr12-132672315-G-C. GRCh37 (hg19) VCF-style: chr12-133248901-G-C.
Other names: short protein forms A565G.
Identifiers: ClinVar variation 3935654 (VCV003935654.2).

ClinVar aggregate classification (germline): Uncertain significance. Review status: criteria provided, multiple submitters, no conflicts (2 of 4 stars). 2 submissions from 2 submitters: Uncertain significance (2). Last evaluated 2025-05-13.

Conditions:
Hereditary cancer-predisposing syndrome. Also called: Tumor predisposition; Hereditary neoplastic syndrome; Hereditary Cancer Syndrome; Neoplastic Syndromes, Hereditary. Identifiers: Orphanet 140162, MedGen C0027672, MeSH D009386, MONDO:0015356.

Submissions (2):

Labcorp Genetics (formerly Invitae), Labcorp
Classification: Uncertain significance. Last evaluated: 2025-05-13. Review status: criteria provided, single submitter. Criteria: Invitae Variant Classification Sherloc (09022015). Collection method: clinical testing. Allele origin: germline.
Comment: This sequence change replaces alanine, which is neutral and non-polar, with glycine, which is neutral and non-polar, at codon 565 of the POLE protein (p.Ala565Gly). This variant is not present in population databases (gnomAD no frequency). This variant has not been reported in the literature in individuals affected with POLE-related conditions. Invitae Evidence Modeling of protein sequence and biophysical properties (such as structural, functional, and spatial information, amino acid conservation, physicochemical variation, residue mobility, and thermodynamic stability) indicates that this missense variant is not expected to disrupt POLE protein function with a negative predictive value of 80%. In summary, the available evidence is currently insufficient to determine the role of this variant in disease. Therefore, it has been classified as a Variant of Uncertain Significance.

Ambry Genetics
Classification: Uncertain significance for Hereditary cancer-predisposing syndrome. Last evaluated: 2025-04-25. Review status: criteria provided, single submitter. Criteria: Ambry Variant Classification Scheme 2023. Collection method: clinical testing. Allele origin: germline.
Comment: The p.A565G variant (also known as c.1694C>G), located in coding exon 16 of the POLE gene, results from a C to G substitution at nucleotide position 1694. The alanine at codon 565 is replaced by glycine, an amino acid with similar properties. This amino acid position is conserved. In addition, this alteration is predicted to be tolerated by in silico analysis. Based on the available evidence, the clinical significance of this variant remains unclear.